The following is an entry in ClinVar:

ClinVar aggregate classification (germline): Uncertain significance (1 of 4 stars; one submission).

Submission:

GeneDx
Classification: Uncertain significance. Last evaluated: 2026-02-03. Review status: criteria provided, single submitter. Criteria: GeneDx Variant Classification Process June 2021. Collection method: clinical testing. Allele origin: germline.
Comment: Not observed at significant frequency in large population cohorts (gnomAD); In silico analysis suggests that this variant does not alter splicing; Has not been previously published as pathogenic or benign to our knowledge

NM_007215.4(POLG2):c.563-13T>G

Genes: MILR1 (mast cell immunoglobulin like receptor 1; plus strand), POLG2 (DNA polymerase gamma 2, accessory subunit; minus strand). Cytogenetic location: 17q23.3.
Variant type: single nucleotide variant.
Coding change: c.563-13T>G on transcript NM_007215.4 (MANE Select); 13 bases into the intron before coding-DNA position 563, T replaced by G.
Molecular consequence: intron variant.
Genome position (GRCh38, 1-based): chr17:64,493,034, A>C on the plus strand (T>G on the coding strand, the complement: POLG2 is on the minus strand). VCF-style: chr17-64493034-A-C. GRCh37 (hg19) VCF-style: chr17-62489151-A-C.
Identifiers: ClinVar variation 4887867 (VCV004887867.1).